The following is an entry in ClinVar:

ClinVar aggregate classification (germline): Uncertain significance (1 of 4 stars; one submission).

Conditions:
Inborn genetic diseases. Identifiers: MedGen C0950123, MeSH D030342.

Submission:

Ambry Genetics
Classification: Uncertain significance for Inborn genetic diseases. Last evaluated: 2024-12-12. Review status: criteria provided, single submitter. Criteria: Ambry Variant Classification Scheme 2023. Collection method: clinical testing. Allele origin: germline.
Comment: The p.N128K variant (also known as c.384C>G), located in coding exon 4 of the AKT1 gene, results from a C to G substitution at nucleotide position 384. The asparagine at codon 128 is replaced by lysine, an amino acid with similar properties. This amino acid position is conserved. In addition, this alteration is predicted to be tolerated by in silico analysis. Based on the available evidence, the clinical significance of this variant remains unclear.

NM_001382430.1(AKT1):c.384C>G (p.Asn128Lys)

Gene: AKT1 (AKT serine/threonine kinase 1; minus strand). Cytogenetic location: 14q32.33.
Variant type: single nucleotide variant.
Coding change: c.384C>G on transcript NM_001382430.1 (MANE Select); coding-DNA position 384, C replaced by G.
Protein change: p.Asn128Lys; replaces asparagine 128 with lysine.
Molecular consequence: missense variant.
Genome position (GRCh38, 1-based): chr14:104,775,703, G>C on the plus strand (C>G on the coding strand, the complement: AKT1 is on the minus strand). VCF-style: chr14-104775703-G-C. GRCh37 (hg19) VCF-style: chr14-105242040-G-C.
Other names: c.384C>G, p.Asn128Lys (NM_001014431.2, NM_001014432.2, NM_001382431.1 and 3 more transcripts); short protein forms N128K.
Identifiers: ClinVar variation 3850735 (VCV003850735.1).